The following is an entry in ClinVar:

ClinVar aggregate classification (germline): Uncertain significance (1 of 4 stars; one submission).

Allele frequency attached by ClinVar (database versions not stated): TOPMed below 0.00001.

Submission:

GeneDx
Classification: Uncertain significance. Last evaluated: 2022-11-22. Review status: criteria provided, single submitter. Criteria: GeneDx Variant Classification Process June 2021. Collection method: clinical testing. Allele origin: germline. Affected: yes.
Comment: Not observed at significant frequency in large population cohorts (gnomAD); In silico analysis supports that this missense variant does not alter protein structure/function; Has not been previously published as pathogenic or benign to our knowledge

NM_006521.6(TFE3):c.268G>A (p.Ala90Thr)

Gene: TFE3 (transcription factor binding to IGHM enhancer 3; minus strand). Cytogenetic location: Xp11.23.
Variant type: single nucleotide variant.
Coding change: c.268G>A on transcript NM_006521.6 (MANE Select); coding-DNA position 268, G replaced by A.
Protein change: p.Ala90Thr; replaces alanine 90 with threonine.
Molecular consequence: missense variant. On other transcripts: intron variant (1).
Genome position (GRCh38, 1-based): chrX:49,039,373, C>T on the plus strand (G>A on the coding strand, the complement: TFE3 is on the minus strand). VCF-style: chrX-49039373-C-T. GRCh37 (hg19) VCF-style: chrX-48896898-C-T.
Other names: c.-20-28G>A (NM_001282142.2); short protein forms A90T.
Identifiers: ClinVar variation 2502513 (VCV002502513.1), dbSNP rs2064748395, ClinGen allele CA412913702.